The following is an entry in ClinVar:

NM_014324.6(AMACR):c.30G>T (p.Glu10Asp)

Genes: C1QTNF3-AMACR (C1QTNF3-AMACR readthrough (NMD candidate); minus strand), AMACR (alpha-methylacyl-CoA racemase; minus strand). Cytogenetic location: 5p13.2.
Variant type: single nucleotide variant.
Coding change: c.30G>T on transcript NM_014324.6 (MANE Select); coding-DNA position 30, G replaced by T.
Protein change: p.Glu10Asp; replaces glutamic acid 10 with aspartic acid.
Molecular consequence: missense variant.
Genome position (GRCh38, 1-based): chr5:34,007,990, C>A on the plus strand (G>T on the coding strand, the complement: AMACR is on the minus strand). VCF-style: chr5-34007990-C-A. GRCh37 (hg19) VCF-style: chr5-34008095-C-A.
Other names: c.30G>T, p.Glu10Asp (NM_001167595.2, NM_203382.3); short protein forms E10D.
Identifiers: ClinVar variation 1994187 (VCV001994187.4), dbSNP rs1325255339, ClinGen allele CA359385469.

ClinVar aggregate classification (germline): Uncertain significance (1 of 4 stars; one submission).

Conditions:
Alpha-methylacyl-CoA racemase deficiency (AMACRD). Also called: AMACR deficiency. Identifiers: Orphanet 79095, MedGen C3280428, MONDO:0013681, OMIM 614307. Disease mechanism: loss of function.

Submission:

Labcorp Genetics (formerly Invitae), Labcorp
Classification: Uncertain significance for Alpha-methylacyl-CoA racemase deficiency. Last evaluated: 2022-08-16. Review status: criteria provided, single submitter. Criteria: Invitae Variant Classification Sherloc (09022015). Collection method: clinical testing. Allele origin: germline.
Comment: In summary, the available evidence is currently insufficient to determine the role of this variant in disease. Therefore, it has been classified as a Variant of Uncertain Significance. Algorithms developed to predict the effect of missense changes on protein structure and function (SIFT, PolyPhen-2, Align-GVGD) all suggest that this variant is likely to be disruptive. This variant has not been reported in the literature in individuals affected with AMACR-related conditions. This variant is not present in population databases (gnomAD no frequency). This sequence change replaces glutamic acid, which is acidic and polar, with aspartic acid, which is acidic and polar, at codon 10 of the AMACR protein (p.Glu10Asp).